The following is an entry in ClinVar:

ClinVar aggregate classification (germline): Benign/Likely benign. Review status: criteria provided, multiple submitters, no conflicts (2 of 4 stars). 5 submissions from 5 submitters: Benign (3); Likely benign (2). Last evaluated 2026-01-15.

Allele frequency attached by ClinVar (database versions not stated): 1000 Genomes Project 0.00120; 1000 Genomes Project 30x 0.00125; TOPMed 0.00146; ESP Exome Variant Server 0.00192.
gnomAD v4.1: 3,258 of 1,610,308 alleles (0.2%); highest among the groups gnomAD compares: Middle Eastern, 1.2%; 13 homozygotes.

Submissions (5):

Labcorp Genetics (formerly Invitae), Labcorp
Classification: Benign. Last evaluated: 2026-01-15. Review status: criteria provided, single submitter. Criteria: Invitae Variant Classification Sherloc (09022015). Collection method: clinical testing. Allele origin: germline.

CeGaT Center for Human Genetics Tuebingen
Classification: Likely benign. Last evaluated: 2023-01-01. Review status: criteria provided, single submitter. Criteria: CeGaT Center For Human Genetics Tuebingen Variant Classification Criteria Version 2. Collection method: clinical testing. Allele origin: germline. Affected: yes. Observed: 5 variant alleles.
Comment: KATNIP: BP4, BS2

Ambry Genetics
Classification: Likely benign. Last evaluated: 2021-09-27. Review status: criteria provided, single submitter. Criteria: Ambry Variant Classification Scheme 2023. Collection method: clinical testing. Allele origin: germline.

Institute for Genomic Medicine (IGM) Clinical Laboratory, Nationwide Children's Hospital
Classification: Benign. Last evaluated: 2017-06-30. Review status: criteria provided, single submitter. Criteria: ACMG Guidelines, 2015. Collection method: clinical testing. Allele origin: germline.
Comment: BS1, BS2, BP4; This alteration has an allele frequency that is greater than expected for the associated disease, was seen in a healthy adult where full penetrance of the disorder is expected at an early age, and is predicted to be tolerated by multiple functional prediction tools.

Breakthrough Genomics
Classification: Benign. Review status: criteria provided, single submitter. Criteria: ACMG Guidelines, 2015. Collection method: not provided. Allele origin: germline. Inheritance: Autosomal recessive inheritance. Affected: yes.

NM_015202.5(KATNIP):c.2809G>T (p.Asp937Tyr)

Gene: KATNIP (katanin interacting protein; plus strand). Cytogenetic location: 16p12.1.
Variant type: single nucleotide variant.
Coding change: c.2809G>T on transcript NM_015202.5 (MANE Select); coding-DNA position 2809, G replaced by T.
Protein change: p.Asp937Tyr; replaces aspartic acid 937 with tyrosine.
Molecular consequence: missense variant.
Genome position (GRCh38, 1-based): chr16:27,749,769, G>T. VCF-style: chr16-27749769-G-T. GRCh37 (hg19) VCF-style: chr16-27761090-G-T.
Other names: short protein forms D937Y.
Identifiers: ClinVar variation 599465 (VCV000599465.44), dbSNP rs139603388, ClinGen allele CA7978068.